The following is an entry in ClinVar:

ClinVar aggregate classification (germline): Uncertain significance (1 of 4 stars; one submission).

gnomAD v4.1: 1 of 1,613,930 alleles (0.000062%); highest among the groups gnomAD compares: African/African-American, 0.0013%; no homozygotes.

Submission:

GeneDx
Classification: Uncertain significance. Last evaluated: 2024-08-01. Review status: criteria provided, single submitter. Criteria: GeneDx Variant Classification Process June 2021. Collection method: clinical testing. Allele origin: germline. Affected: yes.
Comment: Has not been previously published as pathogenic or benign to our knowledge; Not observed at significant frequency in large population cohorts (gnomAD); In silico analysis supports that this missense variant has a deleterious effect on protein structure/function

NM_001105206.3(LAMA4):c.4786G>T (p.Gly1596Cys)

Gene: LAMA4 (laminin subunit alpha 4; minus strand). Cytogenetic location: 6q21.
Variant type: single nucleotide variant.
Coding change: c.4786G>T on transcript NM_001105206.3 (MANE Select); coding-DNA position 4786, G replaced by T.
Protein change: p.Gly1596Cys; replaces glycine 1596 with cysteine.
Molecular consequence: missense variant.
Genome position (GRCh38, 1-based): chr6:112,119,191, C>A on the plus strand (G>T on the coding strand, the complement: LAMA4 is on the minus strand). VCF-style: chr6-112119191-C-A. GRCh37 (hg19) VCF-style: chr6-112440394-C-A.
Other names: c.4765G>T, p.Gly1589Cys (NM_001105207.3, NM_002290.5); short protein forms G1589C, G1596C.
Identifiers: ClinVar variation 3602230 (VCV003602230.1).